The following is an entry in ClinVar:

ClinVar aggregate classification (germline): Conflicting classifications of pathogenicity. Review status: criteria provided, conflicting classifications (1 of 4 stars). 9 submissions from 9 submitters: Uncertain significance (7); Likely benign (1). 1 of the submissions does not count toward it. Last evaluated 2025-03-04.

Conditions:
Mismatch repair cancer syndrome 3. Identifiers: MedGen C5436807, MONDO:0030841, OMIM 619097.
Endometrial carcinoma. Also called: Endometrial carcinoma, somatic. Identifiers: MedGen C0476089, MONDO:0002447, OMIM 608089, HP:0012114.
Lynch syndrome 5 (LYNCH5). Also called: Hereditary non-polyposis colorectal cancer, type 5; Colorectal cancer, hereditary nonpolyposis, type 5. Identifiers: Orphanet 144, MedGen C1833477, MONDO:0013710, OMIM 614350. Disease mechanism: loss of function.
Hereditary nonpolyposis colorectal neoplasms. Identifiers: MedGen C0009405, MeSH D003123.
Hereditary cancer-predisposing syndrome. Also called: Hereditary neoplastic syndrome; Neoplastic Syndromes, Hereditary; Tumor predisposition; Hereditary Cancer Syndrome. Identifiers: Orphanet 140162, MedGen C0027672, MeSH D009386, MONDO:0015356.

Allele frequency attached by ClinVar (database versions not stated): ExAC 0.00001; gnomAD exomes 0.00001.
gnomAD v4.1: 17 of 1,612,892 alleles (0.0011%); highest among the groups gnomAD compares: African/African-American, 0.0013%; no homozygotes.

Submissions (9):

Center for Genomic Medicine, Rigshospitalet, Copenhagen University Hospital
Classification: Uncertain significance. Last evaluated: 2025-03-04. Review status: criteria provided, single submitter. Criteria: ACMG Guidelines, 2015. Collection method: clinical testing. Allele origin: germline.

Labcorp Genetics (formerly Invitae), Labcorp
Classification: Likely benign for Hereditary nonpolyposis colorectal neoplasms. Last evaluated: 2025-02-17. Review status: criteria provided, single submitter. Criteria: Invitae Variant Classification Sherloc (09022015). Collection method: clinical testing. Allele origin: germline.

Quest Diagnostics Nichols Institute San Juan Capistrano
Classification: Uncertain significance. Last evaluated: 2025-02-07. Review status: criteria provided, single submitter. Criteria: Quest Diagnostics criteria. Collection method: clinical testing. Allele origin: unknown.
Comment: The MSH6 c.3113A>G (p.Tyr1038Cys) variant has been reported in the published literature in an individual with Lynch syndrome but normal pMSH6 expression on immunohistochemistry (IHC) (PMID: 22495361 (2012)). The frequency of this variant in the general population (Genome Aggregation Database) is uninformative in the assessment of its pathogenicity. Analysis of this variant using bioinformatics tools for the prediction of the effect of amino acid changes on protein structure and function yielded predictions that this variant is benign. Based on the available information, we are unable to determine the clinical significance of this variant.

Ambry Genetics
Classification: Uncertain significance for Hereditary cancer-predisposing syndrome. Last evaluated: 2024-10-07. Review status: criteria provided, single submitter. Criteria: Ambry Variant Classification Scheme 2023. Collection method: clinical testing. Allele origin: germline.

GeneDx
Classification: Uncertain significance. Last evaluated: 2024-09-15. Review status: criteria provided, single submitter. Criteria: GeneDx Variant Classification Process June 2021. Collection method: clinical testing. Allele origin: germline. Affected: yes.
Comment: Observed in a family with a history suspicious for Lynch syndrome (PMID: 22495361); Not observed at significant frequency in large population cohorts (gnomAD); In silico analysis supports that this missense variant has a deleterious effect on protein structure/function; This variant is associated with the following publications: (PMID: 17531815, 21120944, 22495361)

Department of Pathology and Laboratory Medicine, Sinai Health System
Classification: Uncertain significance for Endometrial carcinoma; Mismatch repair cancer syndrome 3; Lynch syndrome 5. Last evaluated: 2024-06-04. Review status: criteria provided, single submitter. Criteria: ACMG Guidelines, 2015. Collection method: clinical testing. Allele origin: germline. Affected: yes.

Myriad Genetics, Inc.
Classification: Uncertain significance for Lynch syndrome 5. Last evaluated: 2023-03-28. Review status: criteria provided, single submitter. Criteria: Myriad Autosomal Dominant, Autosomal Recessive and X-Linked Classification Criteria (2023). Collection method: clinical testing. Allele origin: unknown.
Comment: This variant is classified as a variant of uncertain significance as there is insufficient evidence to determine its impact on protein function and/or cancer risk.

Color Diagnostics, LLC DBA Color Health
Classification: Uncertain significance for Hereditary cancer-predisposing syndrome. Last evaluated: 2022-11-21. Review status: criteria provided, single submitter. Criteria: ACMG Guidelines, 2015. Collection method: clinical testing. Allele origin: germline.
Comment: This missense variant replaces tyrosine with cysteine at codon 1038 of the MSH6 protein. Computational prediction suggests that this variant may not impact protein structure and function (internally defined REVEL score threshold <= 0.5, PMID: 27666373). To our knowledge, functional studies have not been reported for this variant. This variant has been reported in an individual with suspected Lynch syndrome (PMID: 22495361). This variant has also been identified in 2/248990 chromosomes in the general population by the Genome Aggregation Database (gnomAD). The available evidence is insufficient to determine the role of this variant in disease conclusively. Therefore, this variant is classified as a Variant of Uncertain Significance.

Counsyl
Classification: Uncertain significance for Lynch syndrome 5. Last evaluated: 2016-06-24. Review status: no assertion criteria provided. Collection method: clinical testing. Allele origin: unknown. Not counted in ClinVar's aggregate classification.

Literature cited by the submitters: PubMed 22495361 (cited by 4 submitters).

NM_000179.3(MSH6):c.3113A>G (p.Tyr1038Cys)

Gene: MSH6 (mutS homolog 6; plus strand). Cytogenetic location: 2p16.3.
Variant type: single nucleotide variant.
Coding change: c.3113A>G on transcript NM_000179.3 (MANE Select); coding-DNA position 3113, A replaced by G.
Protein change: p.Tyr1038Cys; replaces tyrosine 1038 with cysteine.
Molecular consequence: missense variant.
Genome position (GRCh38, 1-based): chr2:47,801,096, A>G. VCF-style: chr2-47801096-A-G. GRCh37 (hg19) VCF-style: chr2-48028235-A-G.
Other names: c.2723A>G, p.Tyr908Cys (NM_001281492.2); c.2207A>G, p.Tyr736Cys (NM_001281493.2, NM_001281494.2); short protein forms Y1038C, Y736C, Y908C.
Identifiers: ClinVar variation 186021 (VCV000186021.32), dbSNP rs773357672, ClinGen allele CA011594.
Genomic context (GRCh38, chr2:47,801,096, plus strand): 5'-TCATAAATGCTGAAGAACGGAGGGATGTATCATTGAAGGACTGCATGCGGCGACTGTTCT[A>G]TAACTTTGATAAAAATTACAAGGACTGGCAGTCTGCTGTAGAGTGTATCGCAGTGTTGGG-3'
Protein context (NP_000170.1, residues 1028-1048): SLKDCMRRLF[Tyr1038Cys]NFDKNYKDWQ